The following is an entry in ClinVar:

ClinVar aggregate classification (germline): Uncertain significance (1 of 4 stars; one submission).

Submission:

Labcorp Genetics (formerly Invitae), Labcorp
Classification: Uncertain significance. Last evaluated: 2022-08-15. Review status: criteria provided, single submitter. Criteria: Invitae Variant Classification Sherloc (09022015). Collection method: clinical testing. Allele origin: germline.
Comment: This variant has not been reported in the literature in individuals affected with ACO2-related conditions. In summary, the available evidence is currently insufficient to determine the role of this variant in disease. Therefore, it has been classified as a Variant of Uncertain Significance. Advanced modeling of protein sequence and biophysical properties (such as structural, functional, and spatial information, amino acid conservation, physicochemical variation, residue mobility, and thermodynamic stability) performed at Invitae indicates that this missense variant is expected to disrupt ACO2 protein function. ClinVar contains an entry for this variant (Variation ID: 1483111). This variant is not present in population databases (gnomAD no frequency). This sequence change replaces serine, which is neutral and polar, with phenylalanine, which is neutral and non-polar, at codon 295 of the ACO2 protein (p.Ser295Phe).

NM_001098.3(ACO2):c.884C>T (p.Ser295Phe)

Gene: ACO2 (aconitase 2; plus strand). Cytogenetic location: 22q13.2.
Variant type: single nucleotide variant.
Coding change: c.884C>T on transcript NM_001098.3 (MANE Select); coding-DNA position 884, C replaced by T.
Protein change: p.Ser295Phe; replaces serine 295 with phenylalanine.
Molecular consequence: missense variant.
Genome position (GRCh38, 1-based): chr22:41,517,575, C>T. VCF-style: chr22-41517575-C-T. GRCh37 (hg19) VCF-style: chr22-41913579-C-T.
Other names: short protein forms S295F.
Identifiers: ClinVar variation 1483111 (VCV001483111.8), dbSNP rs2146127317, ClinGen allele CA411721919.